The following is an entry in ClinVar:

ClinVar aggregate classification (germline): Uncertain significance (1 of 4 stars; one submission).

Submission:

Labcorp Genetics (formerly Invitae), Labcorp
Classification: Uncertain significance. Last evaluated: 2025-04-28. Review status: criteria provided, single submitter. Criteria: Invitae Variant Classification Sherloc (09022015). Collection method: clinical testing. Allele origin: germline.
Comment: This sequence change replaces glutamic acid, which is acidic and polar, with lysine, which is basic and polar, at codon 1297 of the KAT6A protein (p.Glu1297Lys). This variant is not present in population databases (gnomAD no frequency). This variant has not been reported in the literature in individuals affected with KAT6A-related conditions. ClinVar contains an entry for this variant (Variation ID: 3688571). Invitae Evidence Modeling of protein sequence and biophysical properties (such as structural, functional, and spatial information, amino acid conservation, physicochemical variation, residue mobility, and thermodynamic stability) indicates that this missense variant is not expected to disrupt KAT6A protein function with a negative predictive value of 95%. In summary, the available evidence is currently insufficient to determine the role of this variant in disease. Therefore, it has been classified as a Variant of Uncertain Significance.

NM_006766.5(KAT6A):c.3889G>A (p.Glu1297Lys)

Gene: KAT6A (lysine acetyltransferase 6A; minus strand). Cytogenetic location: 8p11.21.
Variant type: single nucleotide variant.
Coding change: c.3889G>A on transcript NM_006766.5 (MANE Select); coding-DNA position 3889, G replaced by A.
Protein change: p.Glu1297Lys; replaces glutamic acid 1297 with lysine.
Molecular consequence: missense variant.
Genome position (GRCh38, 1-based): chr8:41,934,331, C>T on the plus strand (G>A on the coding strand, the complement: KAT6A is on the minus strand). VCF-style: chr8-41934331-C-T. GRCh37 (hg19) VCF-style: chr8-41791849-C-T.
Other names: short protein forms E1297K.
Identifiers: ClinVar variation 3688571 (VCV003688571.2).